The following is an entry in ClinVar:

ClinVar aggregate classification (germline): Benign. Review status: criteria provided, multiple submitters, no conflicts (2 of 4 stars). 6 submissions from 6 submitters: Benign (6). Last evaluated 2026-01-27.

Conditions:
Cataract 18 (CATC2). Also called: CATARACT 18, AUTOSOMAL RECESSIVE. Identifiers: Orphanet 91492, Orphanet 98991, Orphanet 98992, Orphanet 98995, MedGen C1864908, MONDO:0012395, OMIM 610019.

Allele frequency attached by ClinVar (database versions not stated): ESP Exome Variant Server 0.00577; TOPMed 0.07753; gnomAD 0.08514 and 0.09242; 1000 Genomes Project 30x 0.10712; 1000 Genomes Project 0.10942; gnomAD exomes 0.12691; ExAC 0.12891.
gnomAD v4.1: 184,647 of 1,613,892 alleles (11%); highest among the groups gnomAD compares: South Asian, 34%; 14,017 homozygotes.

Submissions (6):

Labcorp Genetics (formerly Invitae), Labcorp
Classification: Benign for Cataract 18. Last evaluated: 2026-01-27. Review status: criteria provided, single submitter. Criteria: Invitae Variant Classification Sherloc (09022015). Collection method: clinical testing. Allele origin: germline.

Genome-Nilou Lab
Classification: Benign for Cataract 18. Last evaluated: 2021-08-10. Review status: criteria provided, single submitter. Criteria: ACMG Guidelines, 2015. Collection method: clinical testing. Allele origin: germline. Affected: no.

GeneDx
Classification: Benign. Last evaluated: 2018-05-10. Review status: criteria provided, single submitter. Criteria: GeneDx Variant Classification (06012015). Collection method: clinical testing. Allele origin: germline. Affected: yes.
Comment: This variant is considered likely benign or benign based on one or more of the following criteria: it is a conservative change, it occurs at a poorly conserved position in the protein, it is predicted to be benign by multiple in silico algorithms, and/or has population frequency not consistent with disease.

Illumina Laboratory Services, Illumina
Classification: Benign for Cataract 18. Last evaluated: 2018-01-13. Review status: criteria provided, single submitter. Criteria: ICSL Variant Classification Criteria 13 December 2019. Collection method: clinical testing. Allele origin: germline.
Comment: This variant was observed in the ICSL laboratory as part of a predisposition screen in an ostensibly healthy population. It had not been previously curated by ICSL or reported in the Human Gene Mutation Database (HGMD: prior to June 1st, 2018), and was therefore a candidate for classification through an automated scoring system. Utilizing variant allele frequency, disease prevalence and penetrance estimates, and inheritance mode, an automated score was calculated to assess if this variant is too frequent to cause the disease. Based on the score and internal cut-off values, a variant classified as benign is not then subjected to further curation. The score for this variant resulted in a classification of benign for this disease.

Breakthrough Genomics
Classification: Benign. Review status: criteria provided, single submitter. Criteria: ACMG Guidelines, 2015. Collection method: not provided. Allele origin: germline. Inheritance: Autosomal recessive inheritance. Affected: yes.

PreventionGenetics, part of Exact Sciences
Classification: Benign. Review status: criteria provided, single submitter. Criteria: ACMG Guidelines, 2015. Collection method: clinical testing. Allele origin: germline.

NM_024513.4(FYCO1):c.3001A>G (p.Asn1001Asp)

Gene: FYCO1 (FYVE and coiled-coil domain autophagy adaptor 1; minus strand). Cytogenetic location: 3p21.31.
Variant type: single nucleotide variant.
Coding change: c.3001A>G on transcript NM_024513.4 (MANE Select); coding-DNA position 3001, A replaced by G.
Protein change: p.Asn1001Asp; replaces asparagine 1001 with aspartic acid.
Molecular consequence: missense variant.
Genome position (GRCh38, 1-based): chr3:45,966,333, T>C on the plus strand (A>G on the coding strand, the complement: FYCO1 is on the minus strand). VCF-style: chr3-45966333-T-C. GRCh37 (hg19) VCF-style: chr3-46007825-T-C.
Other names: short protein forms N1001D.
Identifiers: ClinVar variation 261728 (VCV000261728.17), dbSNP rs13059238, ClinGen allele CA2352922.